The following is an entry in ClinVar:

ClinVar aggregate classification (germline): Uncertain significance (1 of 4 stars; one submission).

Conditions:
Leber congenital amaurosis 12 (LCA12). Identifiers: Orphanet 65, MedGen C1857743, MONDO:0012525, OMIM 610612.

Allele frequency attached by ClinVar (database versions not stated): gnomAD exomes below 0.00001; ExAC 0.00002.
gnomAD v4.1: 5 of 1,605,830 alleles (0.00031%); highest among the groups gnomAD compares: South Asian, 0.0056%; no homozygotes.

Submission:

Labcorp Genetics (formerly Invitae), Labcorp
Classification: Uncertain significance for Leber congenital amaurosis 12. Last evaluated: 2025-09-15. Review status: criteria provided, single submitter. Criteria: Invitae Variant Classification Sherloc (09022015). Collection method: clinical testing. Allele origin: germline.
Comment: This sequence change replaces arginine, which is basic and polar, with cysteine, which is neutral and slightly polar, at codon 119 of the RD3 protein (p.Arg119Cys). The frequency data for this variant in the population databases is considered unreliable, as metrics indicate poor data quality at this position in the gnomAD database. This variant has not been reported in the literature in individuals affected with RD3-related conditions. ClinVar contains an entry for this variant (Variation ID: 1045675). An algorithm developed to predict the effect of missense changes on protein structure and function (PolyPhen-2) suggests that this variant is likely to be disruptive. In summary, the available evidence is currently insufficient to determine the role of this variant in disease. Therefore, it has been classified as a Variant of Uncertain Significance.

NM_001164688.2(RD3):c.355C>T (p.Arg119Cys)

Gene: RD3 (RD3 regulator of GUCY2D; minus strand). Cytogenetic location: 1q32.3.
Variant type: single nucleotide variant.
Coding change: c.355C>T on transcript NM_001164688.2 (MANE Select); coding-DNA position 355, C replaced by T.
Protein change: p.Arg119Cys; replaces arginine 119 with cysteine.
Molecular consequence: missense variant.
Genome position (GRCh38, 1-based): chr1:211,479,269, G>A on the plus strand (C>T on the coding strand, the complement: RD3 is on the minus strand). VCF-style: chr1-211479269-G-A. GRCh37 (hg19) VCF-style: chr1-211652611-G-A.
Other names: c.355C>T, p.Arg119Cys (NM_183059.3); short protein forms R119C.
Identifiers: ClinVar variation 1045675 (VCV001045675.6), dbSNP rs756475390, ClinGen allele CA1381081.